The following is an entry in ClinVar:

NM_003742.4(ABCB11):c.2678C>T (p.Ala893Val)

Genes: ABCB11 (ATP binding cassette subfamily B member 11; minus strand), LOC126806400 (CDK7 strongly-dependent group 2 enhancer GRCh37_chr2:169791870-169793069; plus strand). Cytogenetic location: 2q31.1.
Variant type: single nucleotide variant.
Coding change: c.2678C>T on transcript NM_003742.4 (MANE Select); coding-DNA position 2678, C replaced by T.
Protein change: p.Ala893Val; replaces alanine 893 with valine.
Molecular consequence: missense variant.
Genome position (GRCh38, 1-based): chr2:168,936,366, G>A on the plus strand (C>T on the coding strand, the complement: ABCB11 is on the minus strand). VCF-style: chr2-168936366-G-A. GRCh37 (hg19) VCF-style: chr2-169792876-G-A.
Other names: short protein forms A893V.
Identifiers: ClinVar variation 4845954 (VCV004845954.1).

ClinVar aggregate classification (germline): Uncertain significance (1 of 4 stars; one submission).

Conditions:
Familial intrahepatic cholestasis. Identifiers: Orphanet 284385, MedGen CN296401, MONDO:0017290.

Submission:

Genomenon, Inc
Classification: Uncertain significance for Familial intrahepatic cholestasis. Last evaluated: 2026-04-14. Review status: criteria provided, single submitter. Criteria: Genomenon Sequence Variant Interpretation Standards - Updated. Collection method: curation. Allele origin: germline. Affected: yes.
Comment: ABCB11 p.Ala893Val (c.2678C>T) is a missense variant that changes the amino acid at residue 893 from Alanine to Valine. This variant has been observed in at least one proband with an ABCB11-related disorder (PMID:34828443). It is absent or not present at a significant frequency in gnomAD. In silico models predict that this variant is possibly or probably damaging. In conclusion, we classify ABCB11 p.Ala893Val (c.2678C>T) as a variant of uncertain significance.

Literature cited by the submitters: PubMed 34828443.